The following is an entry in ClinVar:

NM_000271.5(NPC1):c.3814C>T (p.Arg1272Cys)

Gene: NPC1 (NPC intracellular cholesterol transporter 1; minus strand). Cytogenetic location: 18q11.2.
Variant type: single nucleotide variant.
Coding change: c.3814C>T on transcript NM_000271.5 (MANE Select); coding-DNA position 3814, C replaced by T.
Protein change: p.Arg1272Cys; replaces arginine 1272 with cysteine.
Molecular consequence: missense variant.
Genome position (GRCh38, 1-based): chr18:23,532,225, G>A on the plus strand (C>T on the coding strand, the complement: NPC1 is on the minus strand). VCF-style: chr18-23532225-G-A. GRCh37 (hg19) VCF-style: chr18-21112189-G-A.
Other names: short protein forms R1272C.
Identifiers: ClinVar variation 891857 (VCV000891857.6), dbSNP rs200264267, ClinGen allele CA8912633.

ClinVar aggregate classification (germline): Uncertain significance. Review status: criteria provided, multiple submitters, no conflicts (2 of 4 stars). 3 submissions from 3 submitters: Uncertain significance (2). 1 of the submissions does not count toward it. Last evaluated 2021-09-01.

Conditions:
NPC1-related disorder. Also called: NPC1-related condition.
Niemann-Pick disease, type C1. Also called: NEUROVISCERAL STORAGE DISEASE WITH VERTICAL SUPRANUCLEAR OPHTHALMOPLEGIA; NIEMANN-PICK DISEASE WITH CHOLESTEROL ESTERIFICATION BLOCK; NIEMANN-PICK DISEASE WITHOUT SPHINGOMYELINASE DEFICIENCY; NIEMANN-PICK DISEASE, CHRONIC NEURONOPATHIC FORM; NIEMANN-PICK DISEASE, VARIANT TYPE C1. Identifiers: Orphanet 646, MedGen C3179455, MONDO:0009757, OMIM 257220.

Allele frequency attached by ClinVar (database versions not stated): gnomAD 0.00001 and 0.00002; gnomAD exomes 0.00001 and 0.00003; ExAC 0.00002; TOPMed 0.00002; 1000 Genomes Project 30x 0.00016; 1000 Genomes Project 0.00020.
gnomAD v4.1: 16 of 1,614,138 alleles (0.00099%); highest among the groups gnomAD compares: East Asian, 0.016%; no homozygotes.

Submissions (3):

Labcorp Genetics (formerly Invitae), Labcorp
Classification: Uncertain significance for Niemann-Pick disease, type C1. Last evaluated: 2021-09-01. Review status: criteria provided, single submitter. Criteria: Invitae Variant Classification Sherloc (09022015). Collection method: clinical testing. Allele origin: germline.
Comment: This sequence change replaces arginine with cysteine at codon 1272 of the NPC1 protein (p.Arg1272Cys). The arginine residue is moderately conserved and there is a large physicochemical difference between arginine and cysteine. This variant is present in population databases (rs200264267, ExAC 0.02%). This variant has not been reported in the literature in individuals affected with NPC1-related conditions. Algorithms developed to predict the effect of missense changes on protein structure and function are either unavailable or do not agree on the potential impact of this missense change (SIFT: "Deleterious"; PolyPhen-2: "Probably Damaging"; Align-GVGD: "Class C0"). In summary, the available evidence is currently insufficient to determine the role of this variant in disease. Therefore, it has been classified as a Variant of Uncertain Significance.

Illumina Laboratory Services, Illumina
Classification: Uncertain significance for Niemann-Pick disease type C1. Last evaluated: 2018-01-13. Review status: criteria provided, single submitter. Criteria: ICSL Variant Classification Criteria 13 December 2019. Collection method: clinical testing. Allele origin: germline.

PreventionGenetics, part of Exact Sciences
Classification: Uncertain significance for NPC1-related condition. Last evaluated: 2024-05-08. Review status: no assertion criteria provided. Collection method: clinical testing. Allele origin: germline. Not counted in ClinVar's aggregate classification.
Comment: The NPC1 c.3814C>T variant is predicted to result in the amino acid substitution p.Arg1272Cys. To our knowledge, this variant has not been reported in the literature. This variant is reported in 0.030% of alleles in individuals of East Asian descent in gnomAD. At this time, the clinical significance of this variant is uncertain due to the absence of conclusive functional and genetic evidence.